The following is an entry in ClinVar:

NM_001326411.2(PISD):c.51delinsAT (p.Pro18fs)

Genes: PISD (phosphatidylserine decarboxylase; minus strand), LOC126863123 (P300/CBP strongly-dependent group 1 enhancer GRCh37_chr22:32057235-32058434; plus strand). Cytogenetic location: 22q12.2.
Variant type: Indel.
Coding change: c.51delinsAT on transcript NM_001326411.2 (MANE Select); coding-DNA position 51, G replaced by AT.
Protein change: p.Pro18fs; shifts the reading frame from proline 18.
Molecular consequence: frameshift variant. On other transcripts: 5 prime UTR variant (8).
Genome position (GRCh38, 1-based): chr22:31,662,158, C replaced by AT on the plus strand (G replaced by AT on the coding strand, the reverse complement: PISD is on the minus strand). VCF-style: chr22-31662158-C-AT. GRCh37 (hg19) VCF-style: chr22-32058144-C-AT.
Other names: c.51delinsAT, p.Pro18fs (NM_001326412.1, NM_001326421.1); c.-99delinsAT (NM_001326413.2); c.-179delinsAT (NM_001326414.2); c.-392delinsAT (NM_001326415.2); c.-581delinsAT (NM_001326416.2); c.-472delinsAT (NM_001326417.2, NM_001326419.2); c.-50delinsAT (NM_001326418.2, NM_001326420.2); short protein forms P18fs.
Identifiers: ClinVar variation 4994022 (VCV004994022.1).

ClinVar aggregate classification (germline): Uncertain significance (1 of 4 stars; one submission).

Conditions:
PISD-related disorder. Also called: PISD-related condition.

Submission:

PreventionGenetics, part of Exact Sciences
Classification: Uncertain significance for PISD-related condition. Last evaluated: 2025-08-12. Review status: criteria provided, single submitter. Criteria: ACMG Guidelines, 2015. Collection method: clinical testing. Allele origin: germline.
Comment: The PISD c.51delinsAT variant is predicted to result in a frameshift and premature protein termination (p.Pro18Serfs*10). To our knowledge, this variant has not been reported in the literature or in a large population database (gnomAD), indicating this variant is rare. Loss of function is not an established mechanism of PISD-related disease. At this time, the clinical significance of this variant is uncertain due to the absence of conclusive functional and genetic evidence.